The following is an entry in ClinVar:

NM_198123.2(CSMD3):c.6241G>A (p.Gly2081Arg)

Gene: CSMD3 (CUB and Sushi multiple domains 3; minus strand). Cytogenetic location: 8q23.3.
Variant type: single nucleotide variant.
Coding change: c.6241G>A on transcript NM_198123.2 (MANE Select); coding-DNA position 6241, G replaced by A.
Protein change: p.Gly2081Arg; replaces glycine 2081 with arginine.
Molecular consequence: missense variant.
Genome position (GRCh38, 1-based): chr8:112,352,430, C>T on the plus strand (G>A on the coding strand, the complement: CSMD3 is on the minus strand). VCF-style: chr8-112352430-C-T. GRCh37 (hg19) VCF-style: chr8-113364659-C-T.
Other names: c.5641G>A, p.Gly1881Arg (NM_001363185.1); c.5929G>A, p.Gly1977Arg (NM_052900.3); c.6121G>A, p.Gly2041Arg (NM_198124.2); short protein forms G1881R, G1977R, G2041R, G2081R.
Identifiers: ClinVar variation 4823164 (VCV004823164.4).

ClinVar aggregate classification (germline): Uncertain significance (1 of 4 stars; one submission).

Submission:

CeGaT Center for Human Genetics Tuebingen
Classification: Uncertain significance. Last evaluated: 2026-02-01. Review status: criteria provided, single submitter. Criteria: CeGaT Center For Human Genetics Tuebingen Variant Classification Criteria Version 2. Collection method: clinical testing. Allele origin: germline. Affected: yes. Observed: 1 variant allele.
Comment: CSMD3: PM2, PP3